The following is an entry in ClinVar:

ClinVar aggregate classification (germline): Uncertain significance (1 of 4 stars; one submission).

Submission:

GeneDx
Classification: Uncertain significance. Last evaluated: 2022-08-03. Review status: criteria provided, single submitter. Criteria: GeneDx Variant Classification Process June 2021. Collection method: clinical testing. Allele origin: germline. Affected: yes.
Comment: Not observed at significant frequency in large population cohorts (gnomAD); In silico analysis supports that this missense variant has a deleterious effect on protein structure/function; Has not been previously published as pathogenic or benign to our knowledge

NM_001394062.1(MACF1):c.17108C>G (p.Pro5703Arg)

Gene: MACF1 (microtubule actin crosslinking factor 1; plus strand). Cytogenetic location: 1p34.3.
Variant type: single nucleotide variant.
Coding change: c.17108C>G on transcript NM_001394062.1 (MANE Select); coding-DNA position 17108, C replaced by G.
Protein change: p.Pro5703Arg; replaces proline 5703 with arginine.
Molecular consequence: missense variant.
Genome position (GRCh38, 1-based): chr1:39,430,046, C>G. VCF-style: chr1-39430046-C-G. GRCh37 (hg19) VCF-style: chr1-39895718-C-G.
Other names: c.5177C>G, p.Pro1726Arg (NM_001397473.1); c.10922C>G, p.Pro3641Arg (NM_012090.5); short protein forms P1726R, P3641R, P5703R.
Identifiers: ClinVar variation 2428839 (VCV002428839.3), dbSNP rs1643845973, ClinGen allele CA339800741.